The following is an entry in ClinVar:

ClinVar aggregate classification (germline): Conflicting classifications of pathogenicity. Review status: criteria provided, conflicting classifications (1 of 4 stars). 7 submissions from 7 submitters: Uncertain significance (6); Likely benign (1). Last evaluated 2026-01-27.

Conditions:
Marfan syndrome (MFS). Also called: Marfan syndrome, classic; Marfan syndrome type 1; Marfan's syndrome; FBN1-Related Marfan Syndrome; MARFAN SYNDROME, TYPE I. Identifiers: Orphanet 284963, Orphanet 558, MedGen C0024796, MONDO:0007947, OMIM 154700.
Familial thoracic aortic aneurysm and aortic dissection (TAAD). Also called: Thoracic aortic aneurysms and dissections. Identifiers: Orphanet 91387, MedGen C4707243, MONDO:0019625.

Allele frequency attached by ClinVar (database versions not stated): ExAC 0.00002; gnomAD exomes 0.00001 and 0.00002.

Submissions (7):

Labcorp Genetics (formerly Invitae), Labcorp
Classification: Likely benign for Marfan syndrome; Familial thoracic aortic aneurysm and aortic dissection. Last evaluated: 2026-01-27. Review status: criteria provided, single submitter. Criteria: Invitae Variant Classification Sherloc (09022015). Collection method: clinical testing. Allele origin: germline.

GeneDx
Classification: Uncertain significance. Last evaluated: 2025-11-04. Review status: criteria provided, single submitter. Criteria: GeneDx Variant Classification Process June 2021. Collection method: clinical testing. Allele origin: germline. Affected: yes.
Comment: Has not been previously published as pathogenic or benign to our knowledge; Not observed at significant frequency in large population cohorts (gnomAD); In silico analysis suggests that this missense variant does not alter protein structure/function; Although located in a calcium-binding EGF-like domain of the FBN1 gene, it does not affect a cysteine residue within this domain; cysteine substitutions in the calcium-binding EGF-like domains represent the majority of pathogenic missense changes associated with FBN1-related disorders (PMID: 12938084); This variant is associated with the following publications: (PMID: 12938084)

Women's Health and Genetics/Laboratory Corporation of America, LabCorp
Classification: Uncertain significance. Last evaluated: 2025-05-23. Review status: criteria provided, single submitter. Criteria: LabCorp Variant Classification Summary - May 2015. Collection method: clinical testing. Allele origin: germline.
Comment: Variant summary: FBN1 c.3688A>C (p.Met1230Leu) results in a conservative amino acid change in the encoded protein sequence. Algorithms developed to predict the effect of missense changes on protein structure and function are either unavailable or do not agree on the potential impact of this missense change. The variant allele was found at a frequency of 1.2e-05 in 251478 control chromosomes. The available data on variant occurrences in the general population are insufficient to allow any conclusion about variant significance. To our knowledge, no occurrence of c.3688A>C in individuals affected with Marfan Syndrome and no experimental evidence demonstrating its impact on protein function have been reported. ClinVar contains an entry for this variant (Variation ID: 928219). Based on the evidence outlined above, the variant was classified as uncertain significance.

All of Us Research Program, National Institutes of Health
Classification: Uncertain significance for Marfan syndrome. Last evaluated: 2024-06-17. Review status: criteria provided, single submitter. Criteria: ACMG Guidelines, 2015. Collection method: clinical testing. Allele origin: germline. Inheritance: Autosomal dominant inheritance. Observed: 4 variant alleles, 4 heterozygotes.
Comment: Variant of Uncertain Significance due to insufficient evidence: This missense variant replaces methionine with leucine at codon 1230 of the FBN1 protein. Computational prediction tools and conservation analyses are inconclusive regarding the impact of this variant on the protein function. Computational splicing tools suggest that this variant may not impact RNA splicing. To our knowledge, functional assays have not been performed for this variant nor has this variant been reported in individuals affected with cardiovascular disorders in the literature. This variant has been identified in 3/251478 chromosomes in the general population by the Genome Aggregation Database (gnomAD). Available evidence is insufficient to determine the role of this variant in disease conclusively.

This study involves interpretation of variants in research participants for the purpose of population health screening. Participant phenotype was not available at the time of variant classification. Additional details can be found in publication PMID: 35346344, PMCID: PMC8962531

Color Diagnostics, LLC DBA Color Health
Classification: Uncertain significance for Familial thoracic aortic aneurysm and aortic dissection. Last evaluated: 2024-05-28. Review status: criteria provided, single submitter. Criteria: ACMG Guidelines, 2015. Collection method: clinical testing. Allele origin: germline.
Comment: This missense variant replaces methionine with leucine at codon 1230 of the FBN1 protein. Computational prediction tools indicate that this variant has a neutral impact on protein structure and function. To our knowledge, functional studies have not been reported for this variant. This variant has not been reported in individuals affected with FBN1-related disorders in the literature. This variant has been identified in 3/251478 chromosomes in the general population by the Genome Aggregation Database (gnomAD). The available evidence is insufficient to determine the role of this variant in disease conclusively. Therefore, this variant is classified as a Variant of Uncertain Significance.

Ambry Genetics
Classification: Uncertain significance for Familial thoracic aortic aneurysm and aortic dissection. Last evaluated: 2024-03-27. Review status: criteria provided, single submitter. Criteria: Ambry Variant Classification Scheme 2023. Collection method: clinical testing. Allele origin: germline.
Comment: The p.M1230L variant (also known as c.3688A>C), located in coding exon 29 of the FBN1 gene, results from an A to C substitution at nucleotide position 3688. The methionine at codon 1230 is replaced by leucine, an amino acid with highly similar properties. This amino acid position is well conserved in available vertebrate species. In addition, the in silico prediction for this alteration is inconclusive. Based on the available evidence, the clinical significance of this alteration remains unclear.

Petrovsky National Research Centre of Surgery, The Federal Agency for Scientific Organizations
Classification: Uncertain significance for Marfan syndrome. Last evaluated: 2023-11-03. Review status: criteria provided, single submitter. Criteria: ACMG Guidelines, 2015. Collection method: clinical testing. Allele origin: germline. Affected: yes.
Comment: Zygosity (cis-/trans- position) of these two variants in the FBN1 gene remains unknown. NM_000138:c.3688A>C variant is present in The Genome Aggregation Database (gnomAD) v2.1.1 and v4.0.0 with total MAF 0.00002637 and 0.00002067 respectively (Date of access 03-11-2023). his variant has not been reported in any study to our knowledge. Clinvar contains an entry for this variant (Variation ID: 928219). Most in silico predictors show benign result of the protein change. In accordance with ClinGen FBN1 Expert Panel Specifications to the ACMG/AMP Variant Interpretation Guidelines Version 1 this variant is classified as Variant of Uncertain Significance (VUS) with following criteria selected: PP4, BP4

NM_000138.5(FBN1):c.3688A>C (p.Met1230Leu)

Gene: FBN1 (fibrillin 1; minus strand). Cytogenetic location: 15q21.1.
Variant type: single nucleotide variant.
Coding change: c.3688A>C on transcript NM_000138.5 (MANE Select); coding-DNA position 3688, A replaced by C.
Protein change: p.Met1230Leu; replaces methionine 1230 with leucine.
Molecular consequence: missense variant.
Genome position (GRCh38, 1-based): chr15:48,485,398, T>G on the plus strand (A>C on the coding strand, the complement: FBN1 is on the minus strand). VCF-style: chr15-48485398-T-G. GRCh37 (hg19) VCF-style: chr15-48777595-T-G.
Other names: p.Met1230Leu; short protein forms M1230L.
Identifiers: ClinVar variation 928219 (VCV000928219.17), dbSNP rs759424465, ClinGen allele CA051344.